The following is an entry in ClinVar:

ClinVar aggregate classification (germline): Conflicting classifications of pathogenicity. Review status: criteria provided, conflicting classifications (1 of 4 stars). 7 submissions from 7 submitters: Uncertain significance (5); Likely benign (2). Last evaluated 2026-09-01.

Conditions:
SH3TC2-related disorder. Also called: SH3TC2-related disorders; SH3TC2-related condition. Identifiers: MedGen CN239303.
Charcot-Marie-Tooth disease type 4. Also called: Charcot-Marie-Tooth, Type 4; Charcot-Marie-Tooth disease, type IV. Identifiers: Orphanet 64749, MedGen C4082197, MONDO:0018995.
Inborn genetic diseases. Identifiers: MedGen C0950123, MeSH D030342.
Charcot-Marie-Tooth disease. Also called: Charcot-Marie-Tooth Neuropathy; Charcot-Marie-Tooth Hereditary Neuropathy. Identifiers: Orphanet 166, MedGen C0007959, MONDO:0015626.

Allele frequency attached by ClinVar (database versions not stated): ExAC 0.00002; gnomAD exomes 0.00003 and 0.00011; gnomAD 0.00004 and 0.00005; TOPMed 0.00005; 1000 Genomes Project 30x 0.00016; 1000 Genomes Project 0.00020.
gnomAD v4.1: 170 of 1,614,156 alleles (0.011%); highest among the groups gnomAD compares: Middle Eastern, 0.016%; 1 homozygote.

Submissions (7):

CeGaT Center for Human Genetics Tuebingen
Classification: Likely benign. Last evaluated: 2026-09-01. Review status: criteria provided, single submitter. Criteria: CeGaT Center For Human Genetics Tuebingen Variant Classification Criteria Version 2. Collection method: clinical testing. Allele origin: germline. Affected: yes. Observed: 3 variant alleles.
Comment: SH3TC2: BP4

PreventionGenetics, part of Exact Sciences
Classification: Uncertain significance for SH3TC2-related condition. Last evaluated: 2024-12-10. Review status: criteria provided, single submitter. Criteria: ACMG Guidelines, 2015. Collection method: clinical testing. Allele origin: germline.
Comment: The SH3TC2 c.2257C>T variant is predicted to result in the amino acid substitution p.Arg753Trp. To our knowledge, this variant has not been reported in the literature. This variant is reported in 0.0098% of alleles in individuals of South Asian descent in gnomAD. At this time, the clinical significance of this variant is uncertain due to the absence of conclusive functional and genetic evidence.

GeneDx
Classification: Uncertain significance. Last evaluated: 2024-09-10. Review status: criteria provided, single submitter. Criteria: GeneDx Variant Classification Process June 2021. Collection method: clinical testing. Allele origin: germline. Affected: yes.
Comment: Not observed at significant frequency in large population cohorts (gnomAD); In silico analysis indicates that this missense variant does not alter protein structure/function; Has not been previously published as pathogenic or benign to our knowledge

Athena Diagnostics
Classification: Uncertain significance. Last evaluated: 2022-12-30. Review status: criteria provided, single submitter. Criteria: Athena Diagnostics Criteria. Collection method: clinical testing. Allele origin: unknown.
Comment: Available data are insufficient to determine the clinical significance of the variant at this time. The frequency of this variant in the general population is uninformative in assessment of its pathogenicity. Computational tools predict that this variant is not damaging.

Labcorp Genetics (formerly Invitae), Labcorp
Classification: Uncertain significance for Charcot-Marie-Tooth disease type 4. Last evaluated: 2022-07-15. Review status: criteria provided, single submitter. Criteria: Invitae Variant Classification Sherloc (09022015). Collection method: clinical testing. Allele origin: germline.
Comment: This sequence change replaces arginine, which is basic and polar, with tryptophan, which is neutral and slightly polar, at codon 753 of the SH3TC2 protein (p.Arg753Trp). This variant is present in population databases (rs530824367, gnomAD 0.01%). This variant has not been reported in the literature in individuals affected with SH3TC2-related conditions. ClinVar contains an entry for this variant (Variation ID: 624071). Advanced modeling of protein sequence and biophysical properties (such as structural, functional, and spatial information, amino acid conservation, physicochemical variation, residue mobility, and thermodynamic stability) performed at Invitae indicates that this missense variant is not expected to disrupt SH3TC2 protein function. In summary, the available evidence is currently insufficient to determine the role of this variant in disease. Therefore, it has been classified as a Variant of Uncertain Significance.

Ambry Genetics
Classification: Likely benign for Inborn genetic diseases. Last evaluated: 2021-11-09. Review status: criteria provided, single submitter. Criteria: Ambry Variant Classification Scheme 2023. Collection method: clinical testing. Allele origin: germline.

Molecular Genetics Laboratory, London Health Sciences Centre
Classification: Uncertain significance for Charcot-Marie-Tooth disease. Review status: criteria provided, single submitter. Criteria: ACMG Guidelines, 2015. Collection method: clinical testing. Allele origin: germline. Affected: yes.

NM_024577.4(SH3TC2):c.2257C>T (p.Arg753Trp)

Gene: SH3TC2 (SH3 domain and tetratricopeptide repeats 2; minus strand). Cytogenetic location: 5q32.
Variant type: single nucleotide variant.
Coding change: c.2257C>T on transcript NM_024577.4 (MANE Select); coding-DNA position 2257, C replaced by T.
Protein change: p.Arg753Trp; replaces arginine 753 with tryptophan.
Molecular consequence: missense variant.
Genome position (GRCh38, 1-based): chr5:149,027,475, G>A on the plus strand (C>T on the coding strand, the complement: SH3TC2 is on the minus strand). VCF-style: chr5-149027475-G-A. GRCh37 (hg19) VCF-style: chr5-148407038-G-A.
Other names: short protein forms R753W.
Identifiers: ClinVar variation 624071 (VCV000624071.56), dbSNP rs530824367, ClinGen allele CA3499037.